The following is an entry in ClinVar:

NM_016156.6(MTMR2):c.349A>G (p.Met117Val)

Gene: MTMR2 (myotubularin related protein 2; minus strand). Cytogenetic location: 11q21.
Variant type: single nucleotide variant.
Coding change: c.349A>G on transcript NM_016156.6 (MANE Select); coding-DNA position 349, A replaced by G.
Protein change: p.Met117Val; replaces methionine 117 with valine.
Molecular consequence: missense variant.
Genome position (GRCh38, 1-based): chr11:95,862,280, T>C on the plus strand (A>G on the coding strand, the complement: MTMR2 is on the minus strand). VCF-style: chr11-95862280-T-C. GRCh37 (hg19) VCF-style: chr11-95595444-T-C.
Other names: c.133A>G, p.Met45Val (NM_201278.3, NM_201281.3, NM_001243571.2); short protein forms M45V, M117V.
Identifiers: ClinVar variation 1395147 (VCV001395147.6), dbSNP rs2135475834, ClinGen allele CA382429954.

ClinVar aggregate classification (germline): Uncertain significance (1 of 4 stars; one submission).

Conditions:
Charcot-Marie-Tooth disease type 4. Also called: Charcot-Marie-Tooth disease, type IV; Charcot-Marie-Tooth, Type 4. Identifiers: Orphanet 64749, MedGen C4082197, MONDO:0018995.

Submission:

Labcorp Genetics (formerly Invitae), Labcorp
Classification: Uncertain significance for Charcot-Marie-Tooth disease type 4. Last evaluated: 2021-11-26. Review status: criteria provided, single submitter. Criteria: Invitae Variant Classification Sherloc (09022015). Collection method: clinical testing. Allele origin: germline.
Comment: In summary, the available evidence is currently insufficient to determine the role of this variant in disease. Therefore, it has been classified as a Variant of Uncertain Significance. Algorithms developed to predict the effect of missense changes on protein structure and function (SIFT, PolyPhen-2, Align-GVGD) all suggest that this variant is likely to be tolerated. This variant has not been reported in the literature in individuals affected with MTMR2-related conditions. This variant is not present in population databases (gnomAD no frequency). This sequence change replaces methionine, which is neutral and non-polar, with valine, which is neutral and non-polar, at codon 117 of the MTMR2 protein (p.Met117Val).